The following is an entry in ClinVar:

NM_018706.7(DHTKD1):c.907G>A (p.Gly303Ser)

Gene: DHTKD1 (dehydrogenase E1 and transketolase domain containing 1; plus strand). Cytogenetic location: 10p14.
Variant type: single nucleotide variant.
Coding change: c.907G>A on transcript NM_018706.7 (MANE Select); coding-DNA position 907, G replaced by A.
Protein change: p.Gly303Ser; replaces glycine 303 with serine.
Molecular consequence: missense variant.
Genome position (GRCh38, 1-based): chr10:12,089,175, G>A. VCF-style: chr10-12089175-G-A. GRCh37 (hg19) VCF-style: chr10-12131174-G-A.
Other names: short protein forms G303S.
Identifiers: ClinVar variation 2910970 (VCV002910970.3), dbSNP rs748174586, ClinGen allele CA5407679.
Genomic context (GRCh38, chr10:12,089,175, plus strand): 5'-ATGTTGCCCAATCCCTCGCACCTGGAGGCCGTCAACCCCGTGGCCGTGGGCAAAACTCGC[G>A]GCAGGCAGCAGTCTCGCCAAGACGGCGATTACTCTCCAGACAACTCAGCCCAGCCGGGGG-3'
Protein context (NP_061176.4, residues 293-313): VNPVAVGKTR[Gly303Ser]RQQSRQDGDY

ClinVar aggregate classification (germline): Uncertain significance (1 of 4 stars; one submission).

Conditions:
2-aminoadipic 2-oxoadipic aciduria (AAKAD). Also called: Aminoadipic aciduria; ALPHA-AMINOADIPIC AND ALPHA-KETOADIPIC ACIDURIA. Identifiers: Orphanet 79154, MedGen C1859817, MONDO:0008774, OMIM 204750.

Allele frequency attached by ClinVar (database versions not stated): gnomAD exomes below 0.00001; ExAC 0.00002.

Submission:

Labcorp Genetics (formerly Invitae), Labcorp
Classification: Uncertain significance for 2-aminoadipic 2-oxoadipic aciduria. Last evaluated: 2024-09-27. Review status: criteria provided, single submitter. Criteria: Invitae Variant Classification Sherloc (09022015). Collection method: clinical testing. Allele origin: germline.
Comment: This sequence change replaces glycine, which is neutral and non-polar, with serine, which is neutral and polar, at codon 303 of the DHTKD1 protein (p.Gly303Ser). This variant is present in population databases (rs748174586, gnomAD 0.007%). This variant has not been reported in the literature in individuals affected with DHTKD1-related conditions. Invitae Evidence Modeling of protein sequence and biophysical properties (such as structural, functional, and spatial information, amino acid conservation, physicochemical variation, residue mobility, and thermodynamic stability) indicates that this missense variant is not expected to disrupt DHTKD1 protein function with a negative predictive value of 80%. In summary, the available evidence is currently insufficient to determine the role of this variant in disease. Therefore, it has been classified as a Variant of Uncertain Significance.